The following is an entry in ClinVar:

NM_004006.3(DMD):c.5131C>T (p.Gln1711Ter)

Gene: DMD (dystrophin; minus strand). Cytogenetic location: Xp21.1.
Variant type: single nucleotide variant.
Coding change: c.5131C>T on transcript NM_004006.3 (MANE Select); coding-DNA position 5131, C replaced by T.
Protein change: p.Gln1711Ter; replaces glutamine 1711 with a stop codon.
Molecular consequence: nonsense.
Genome position (GRCh38, 1-based): chrX:32,364,605, G>A on the plus strand (C>T on the coding strand, the complement: DMD is on the minus strand). VCF-style: chrX-32364605-G-A. GRCh37 (hg19) VCF-style: chrX-32382722-G-A.
Other names: c.5107C>T, p.Gln1703Ter (NM_000109.4); c.5119C>T, p.Gln1707Ter (NM_004009.3); c.4762C>T, p.Gln1588Ter (NM_004010.3); c.1108C>T, p.Gln370Ter (NM_004011.4); c.1099C>T, p.Gln367Ter (NM_004012.4); short protein forms Q1711*, Q1703*, Q370*, Q1707*, Q367*, Q1588*.
Identifiers: ClinVar variation 217201 (VCV000217201.8), dbSNP rs863225001, ClinGen allele CA347522.

ClinVar aggregate classification (germline): Pathogenic. Review status: criteria provided, multiple submitters, no conflicts (2 of 4 stars). 5 submissions from 5 submitters: Pathogenic (5). Last evaluated 2024-12-20.

Conditions:
Neuromuscular disease caused by qualitative or quantitative defects of dystrophin. Also called: Qualitative or quantitative defects of dystrophin. Identifiers: Orphanet 207085, MedGen C5679787, MONDO:0016147.
Becker muscular dystrophy (BMD). Also called: Becker Muscular Dystrophy (BMD); MUSCULAR DYSTROPHY, PSEUDOHYPERTROPHIC PROGRESSIVE, BECKER TYPE. Identifiers: Orphanet 98895, MedGen C0917713, MONDO:0010311, OMIM 300376.
Duchenne muscular dystrophy (DMD). Also called: MUSCULAR DYSTROPHY, PSEUDOHYPERTROPHIC PROGRESSIVE, DUCHENNE TYPE; Duchenne Muscular Dystrophy (DMD). Identifiers: Orphanet 98896, MedGen C0013264, MONDO:0010679, OMIM 310200.

Submissions (5):

Women's Health and Genetics/Laboratory Corporation of America, LabCorp
Classification: Pathogenic for Neuromuscular disease caused by qualitative or quantitative defects of dystrophin. Last evaluated: 2024-12-20. Review status: criteria provided, single submitter. Criteria: LabCorp Variant Classification Summary - May 2015. Collection method: clinical testing. Allele origin: germline.
Comment: Variant summary: DMD c.5131C>T (p.Gln1711X) results in a premature termination codon, predicted to cause a truncation of the encoded protein or absence of the protein due to nonsense mediated decay, which are commonly known mechanisms for disease. The variant was absent in 182877 control chromosomes. c.5131C>T has been reported in the literature in individuals affected with Dystrophinopathies (Juan-Mateu_2015). The following publication has been ascertained in the context of this evaluation (PMID: 26284620). ClinVar contains an entry for this variant (Variation ID: 217201). Based on the evidence outlined above, the variant was classified as pathogenic.

GeneDx
Classification: Pathogenic. Last evaluated: 2023-09-19. Review status: criteria provided, single submitter. Criteria: GeneDx Variant Classification Process June 2021. Collection method: clinical testing. Allele origin: germline. Affected: yes.
Comment: Not observed at significant frequency in large population cohorts (gnomAD); Nonsense variant predicted to result in protein truncation or nonsense mediated decay in a gene for which loss of function is a known mechanism of disease; Based on the understanding of this genetic alteration, it may be amenable to nonsense read-through therapy that is currently available or in clinical trial; This variant is associated with the following publications: (PMID: 25525159, 32906206, 23536893, 21515508)

Baylor Genetics
Classification: Pathogenic for Becker muscular dystrophy. Last evaluated: 2023-09-14. Review status: criteria provided, single submitter. Criteria: ACMG Guidelines, 2015. Collection method: clinical testing. Allele origin: unknown.

Institute of Human Genetics, University of Leipzig Medical Center
Classification: Pathogenic for Duchenne muscular dystrophy. Last evaluated: 2019-01-01. Review status: criteria provided, single submitter. Criteria: ACMG Guidelines, 2015. Collection method: clinical testing. Allele origin: unknown. Affected: yes.

Athena Diagnostics
Classification: Pathogenic for Duchenne muscular dystrophy. Last evaluated: 2014-01-17. Review status: criteria provided, single submitter. Criteria: Athena Diagnostics Criteria. Collection method: clinical testing. Allele origin: germline. Inheritance: X-linked recessive inheritance.
Comment: X-linked recessive inheritance

Literature cited by the submitters: PubMed 26284620 (cited by Women's Health and Genetics/Laboratory Corporation of America, LabCorp); PubMed 21515508 (cited by Athena Diagnostics).